The following is an entry in ClinVar:

NM_001367624.2(ZNF469):c.7054C>G (p.Pro2352Ala)

Gene: ZNF469 (zinc finger protein 469; plus strand). Cytogenetic location: 16q24.2.
Variant type: single nucleotide variant.
Coding change: c.7054C>G on transcript NM_001367624.2 (MANE Select); coding-DNA position 7054, C replaced by G.
Protein change: p.Pro2352Ala; replaces proline 2352 with alanine.
Molecular consequence: missense variant.
Genome position (GRCh38, 1-based): chr16:88,434,524, C>G. VCF-style: chr16-88434524-C-G. GRCh37 (hg19) VCF-style: chr16-88500932-C-G.
Other names: NM_001127464.1:c.6970C>G; short protein forms P2352A.
Identifiers: ClinVar variation 2449468 (VCV002449468.2), dbSNP rs1017789243, ClinGen allele CA397108376.

ClinVar aggregate classification (germline): Uncertain significance (1 of 4 stars; one submission).

Conditions:
Cardiovascular phenotype. Identifiers: MedGen CN230736.

Submission:

Ambry Genetics
Classification: Uncertain significance for Cardiovascular phenotype. Last evaluated: 2022-12-25. Review status: criteria provided, single submitter. Criteria: Ambry Variant Classification Scheme 2023. Collection method: clinical testing. Allele origin: germline.
Comment: The p.P2324A variant (also known as c.6970C>G), located in coding exon 2 of the ZNF469 gene, results from a C to G substitution at nucleotide position 6970. The proline at codon 2324 is replaced by alanine, an amino acid with highly similar properties. This amino acid position is conserved. In addition, this alteration is predicted to be tolerated by in silico analysis. Since supporting evidence is limited at this time, the clinical significance of this alteration remains unclear.